The following is an entry in ClinVar:

NM_006017.3(PROM1):c.2540A>G (p.His847Arg)

Gene: PROM1 (prominin 1; minus strand). Cytogenetic location: 4p15.32.
Variant type: single nucleotide variant.
Coding change: c.2540A>G on transcript NM_006017.3 (MANE Select); coding-DNA position 2540, A replaced by G.
Protein change: p.His847Arg; replaces histidine 847 with arginine.
Molecular consequence: missense variant. On other transcripts: intron variant (6).
Genome position (GRCh38, 1-based): chr4:15,979,437, T>C on the plus strand (A>G on the coding strand, the complement: PROM1 is on the minus strand). VCF-style: chr4-15979437-T-C. GRCh37 (hg19) VCF-style: chr4-15981060-T-C.
Other names: c.2513A>G, p.His838Arg (NM_001145847.2, NM_001145848.2, NM_001371406.1); c.2462+985A>G (NM_001145852.2, NM_001371408.1, NM_001371407.1); c.2489+985A>G (NM_001145850.2); c.2486+444A>G (NM_001145851.2); c.2513+444A>G (NM_001145849.2); short protein forms H847R, H838R.
Identifiers: ClinVar variation 931849 (VCV000931849.3), dbSNP rs1717178592, ClinGen allele CA356425767.

ClinVar aggregate classification (germline): Uncertain significance (1 of 4 stars; one submission).

Conditions:
Cone-rod dystrophy 12 (CORD12). Identifiers: Orphanet 1872, MedGen C2675210, MONDO:0012983, OMIM 612657.

Allele frequency attached by ClinVar (database versions not stated): TOPMed below 0.00001.

Submission:

Centre for Mendelian Genomics, University Medical Centre Ljubljana
Classification: Uncertain significance for Cone-rod dystrophy 12. Last evaluated: 2020-03-21. Review status: criteria provided, single submitter. Criteria: ACMG Guidelines, 2015. Collection method: clinical testing. Allele origin: unknown. Affected: yes.
Comment: This variant was classified as: Uncertain significance. The available evidence on this variant's pathogenicity is insufficient or conflicting. The following ACMG criteria were applied in classifying this variant: PM2.